The following is an entry in ClinVar:

ClinVar aggregate classification (germline): Uncertain significance (1 of 4 stars; one submission).

Conditions:
Intellectual developmental disorder, X-linked 90. Also called: DLG3-Related X-Linked Nonsyndromic Mental Retardation; Intellectual disability, X-linked 90. Identifiers: Orphanet 777, MedGen C3275443, MONDO:0010452, OMIM 300850.

gnomAD v4.1: 3 of 1,207,086 alleles (0.00025%); highest among the groups gnomAD compares: Non-Finnish European, 0.00034%; no homozygotes.

Submission:

Equipe Genetique des Anomalies du Developpement, Université de Bourgogne
Classification: Uncertain significance for Intellectual developmental disorder, X-linked 90. Last evaluated: 2025-01-31. Review status: criteria provided, single submitter. Criteria: ACMG Guidelines, 2015. Collection method: curation. Allele origin: germline. Affected: yes.
Comment: Literature review. This variant is a missense which replaces an arginine with a tryptophan at position 621. Hemizygous pathogenic variants in DLG3 are reported in an autosomal dominant intellectual disability (OMIM #300850). This variant is not present in male individuals in gnomAD (v4.1.0) and has not been reported in ClinVar. It has been reported in the literature (PMID:34489640). In silico prediction scores are in favor of a damaging effect. Based on these evidences, the variant was classified as of uncertain significance.

Literature cited by the submitters: PubMed 34489640.

NM_021120.4(DLG3):c.1861C>T (p.Arg621Trp)

Gene: DLG3 (discs large MAGUK scaffold protein 3; plus strand). Cytogenetic location: Xq13.1.
Variant type: single nucleotide variant.
Coding change: c.1861C>T on transcript NM_021120.4 (MANE Select); coding-DNA position 1861, C replaced by T.
Protein change: p.Arg621Trp; replaces arginine 621 with tryptophan.
Molecular consequence: missense variant.
Genome position (GRCh38, 1-based): chrX:70,498,561, C>T. VCF-style: chrX-70498561-C-T. GRCh37 (hg19) VCF-style: chrX-69718411-C-T.
Other names: c.508C>T, p.Arg170Trp (NM_001166278.2); c.946C>T, p.Arg316Trp (NM_020730.3); short protein forms R170W, R316W, R621W.
Identifiers: ClinVar variation 3770150 (VCV003770150.1).